The following is an entry in ClinVar:

ClinVar aggregate classification (germline): Uncertain significance. Review status: criteria provided, multiple submitters, no conflicts (2 of 4 stars). 6 submissions from 3 submitters: Uncertain significance (6). Last evaluated 2023-04-11.

Conditions:
Thyrotoxic periodic paralysis, susceptibility to, 1 (TTPP1). Identifiers: Orphanet 79102, MedGen C2749982, MONDO:0008570, OMIM 188580.
Malignant hyperthermia, susceptibility to, 5 (MHS5). Also called: CACNA1S-Related Malignant Hyperthermia Susceptibility. Identifiers: Orphanet 423, MedGen C1866077, MONDO:0011163, OMIM 601887.
Congenital myopathy 18. Also called: Myopathy, congenital, due to dihydropyridine receptor defect; DIHYDROPYRIDINE RECEPTOR CONGENITAL MYOPATHY; DHPR CONGENITAL MYOPATHY. Identifiers: MedGen C5830283, MONDO:0859514, OMIM 620246.
Hypokalemic periodic paralysis, type 1. Also called: HypoPP; Hypokalemic Periodic Paralysis Type 1 (AD). Identifiers: Orphanet 681, MedGen C3714580, MONDO:0042979, OMIM 170400.

Allele frequency attached by ClinVar (database versions not stated): TOPMed below 0.00001.
gnomAD v4.1: 4 of 1,613,872 alleles (0.00025%); highest among the groups gnomAD compares: South Asian, 0.0033%; no homozygotes.

Submissions (6):

Genome-Nilou Lab
Classification: Uncertain significance for Malignant hyperthermia, susceptibility to, 5. Last evaluated: 2023-04-11. Review status: criteria provided, single submitter. Criteria: ACMG Guidelines, 2015. Collection method: clinical testing. Allele origin: germline. Affected: no.

Genome-Nilou Lab
Classification: Uncertain significance for Thyrotoxic periodic paralysis, susceptibility to, 1. Last evaluated: 2023-04-11. Review status: criteria provided, single submitter. Criteria: ACMG Guidelines, 2015. Collection method: clinical testing. Allele origin: germline. Affected: no.

Genome-Nilou Lab
Classification: Uncertain significance for Congenital myopathy 18. Last evaluated: 2023-04-11. Review status: criteria provided, single submitter. Criteria: ACMG Guidelines, 2015. Collection method: clinical testing. Allele origin: germline. Affected: no.

Genome-Nilou Lab
Classification: Uncertain significance for Hypokalemic periodic paralysis, type 1. Last evaluated: 2023-04-11. Review status: criteria provided, single submitter. Criteria: ACMG Guidelines, 2015. Collection method: clinical testing. Allele origin: germline. Affected: no.

Revvity Omics, Revvity
Classification: Uncertain significance. Last evaluated: 2022-11-16. Review status: criteria provided, single submitter. Criteria: ACMG Guidelines, 2015. Collection method: clinical testing. Allele origin: germline.

Labcorp Genetics (formerly Invitae), Labcorp
Classification: Uncertain significance for Hypokalemic periodic paralysis, type 1; Malignant hyperthermia, susceptibility to, 5. Last evaluated: 2018-04-27. Review status: criteria provided, single submitter. Criteria: Invitae Variant Classification Sherloc (09022015). Collection method: clinical testing. Allele origin: germline.
Comment: This sequence change replaces serine with asparagine at codon 1756 of the CACNA1S protein (p.Ser1756Asn). The serine residue is weakly conserved and there is a small physicochemical difference between serine and asparagine. This variant is not present in population databases (ExAC no frequency). This variant has not been reported in the literature in individuals with CACNA1S-related disease. Algorithms developed to predict the effect of missense changes on protein structure and function output the following: SIFT: "Tolerated"; PolyPhen-2: "Benign"; Align-GVGD: "Class C0". The asparagine amino acid residue is found in multiple mammalian species, suggesting that this missense change does not adversely affect protein function. These predictions have not been confirmed by published functional studies and their clinical significance is uncertain. In summary, the available evidence is currently insufficient to determine the role of this variant in disease. Therefore, it has been classified as a Variant of Uncertain Significance.

NM_000069.3(CACNA1S):c.5267G>A (p.Ser1756Asn)

Gene: CACNA1S (calcium voltage-gated channel subunit alpha1 S; minus strand). Cytogenetic location: 1q32.1.
Variant type: single nucleotide variant.
Coding change: c.5267G>A on transcript NM_000069.3 (MANE Select); coding-DNA position 5267, G replaced by A.
Protein change: p.Ser1756Asn; replaces serine 1756 with asparagine.
Molecular consequence: missense variant.
Genome position (GRCh38, 1-based): chr1:201,040,334, C>T on the plus strand (G>A on the coding strand, the complement: CACNA1S is on the minus strand). VCF-style: chr1-201040334-C-T. GRCh37 (hg19) VCF-style: chr1-201009462-C-T.
Other names: short protein forms S1756N.
Identifiers: ClinVar variation 568360 (VCV000568360.12), dbSNP rs777977731, ClinGen allele CA344131225.